The following is an entry in ClinVar:

ClinVar aggregate classification (germline): Uncertain significance (1 of 4 stars; one submission).

Conditions:
Long QT syndrome (LQTS). Identifiers: MedGen C0023976, MeSH D008133, MONDO:0002442. Disease mechanism: loss of function. Inheritance: Various modes of inheritance.

gnomAD v4.1: 3 of 1,614,140 alleles (0.00019%); highest among the groups gnomAD compares: Non-Finnish European, 0.00025%; no homozygotes.

Submission:

Labcorp Genetics (formerly Invitae), Labcorp
Classification: Uncertain significance for Long QT syndrome. Last evaluated: 2025-01-14. Review status: criteria provided, single submitter. Criteria: Invitae Variant Classification Sherloc (09022015). Collection method: clinical testing. Allele origin: germline.
Comment: This sequence change replaces serine, which is neutral and polar, with proline, which is neutral and non-polar, at codon 2856 of the ANK2 protein (p.Ser2856Pro). This variant is not present in population databases (gnomAD no frequency). This variant has not been reported in the literature in individuals affected with ANK2-related conditions. An algorithm developed to predict the effect of missense changes on protein structure and function outputs the following: PolyPhen-2: "Benign". The proline amino acid residue is found in multiple mammalian species, which suggests that this missense change does not adversely affect protein function. In summary, the available evidence is currently insufficient to determine the role of this variant in disease. Therefore, it has been classified as a Variant of Uncertain Significance.

NM_001148.6(ANK2):c.8566T>C (p.Ser2856Pro)

Gene: ANK2 (ankyrin 2; plus strand). Cytogenetic location: 4q26.
Variant type: single nucleotide variant.
Coding change: c.8566T>C on transcript NM_001148.6 (MANE Select); coding-DNA position 8566, T replaced by C.
Protein change: p.Ser2856Pro; replaces serine 2856 with proline.
Molecular consequence: missense variant. On other transcripts: intron variant (68).
Genome position (GRCh38, 1-based): chr4:113,357,184, T>C. VCF-style: chr4-113357184-T-C. GRCh37 (hg19) VCF-style: chr4-114278340-T-C.
Other names: c.8332T>C, p.Ser2778Pro (NM_001386142.1); c.4966T>C, p.Ser1656Pro (NM_001386166.1); c.8707T>C, p.Ser2903Pro (NM_001386174.1); c.8683T>C, p.Ser2895Pro (NM_001386175.1); c.4412-3639T>C (NM_001386186.2, NM_001386148.2); c.4214-3639T>C (NM_001354269.3); c.4292-3639T>C (NM_001386187.2); c.4253-3639T>C (NM_001386147.1); and 35 more; short protein forms S1656P, S2778P, S2903P, S2856P, S2895P.
Identifiers: ClinVar variation 3695347 (VCV003695347.2).